The following is an entry in ClinVar:

ClinVar aggregate classification (germline): Benign. Review status: criteria provided, multiple submitters, no conflicts (2 of 4 stars). 24 submissions from 23 submitters: Benign (20). 4 of the submissions do not count toward it. Last evaluated 2026-02-04.

Conditions:
Hereditary cancer-predisposing syndrome. Also called: Tumor predisposition; Neoplastic Syndromes, Hereditary; Hereditary neoplastic syndrome; Hereditary Cancer Syndrome. Identifiers: Orphanet 140162, MedGen C0027672, MeSH D009386, MONDO:0015356.
Tuberous sclerosis syndrome (TSC). Also called: Tuberous Sclerosis Complex; Tuberous sclerosis. Identifiers: Orphanet 805, MedGen C0041341, MONDO:0001734.
Isolated focal cortical dysplasia type II (FCORD2). Also called: CORTICAL DYSPLASIA OF TAYLOR; Focal cortical dysplasia type II. Identifiers: Orphanet 268994, MedGen C1846385, MONDO:0011818, OMIM 607341, HP:0032051.
Tuberous sclerosis 1 (TSC1). Identifiers: Orphanet 805, MedGen C1854465, MONDO:0008612, OMIM 191100.

Allele frequency attached by ClinVar (database versions not stated): gnomAD 0.15974 and 0.15655; gnomAD exomes 0.13214 and 0.14125; ExAC 0.13712; 1000 Genomes Project 0.13858; 1000 Genomes Project 30x 0.14241; TOPMed 0.15825; ESP Exome Variant Server 0.17092.
gnomAD v4.1: 230,188 of 1,613,436 alleles (14%); highest among the groups gnomAD compares: African/African-American, 21%; 17,073 homozygotes.

Submissions 1 to 22 of 33:

Labcorp Genetics (formerly Invitae), Labcorp
Classification: Benign for Tuberous sclerosis 1. Last evaluated: 2026-02-04. Review status: criteria provided, single submitter. Criteria: Invitae Variant Classification Sherloc (09022015). Collection method: clinical testing. Allele origin: germline.

ARUP Laboratories, Molecular Genetics and Genomics, ARUP Laboratories
Classification: Benign. Last evaluated: 2025-07-21. Review status: criteria provided, single submitter. Criteria: ARUP Molecular Germline Variant Investigation Process 2024. Collection method: clinical testing. Allele origin: germline.

Myriad Genetics, Inc.
Classification: Benign for Tuberous sclerosis 1. Last evaluated: 2025-04-09. Review status: criteria provided, single submitter. Criteria: Myriad Autosomal Dominant, Autosomal Recessive and X-Linked Classification Criteria (2023). Collection method: clinical testing. Allele origin: unknown.
Comment: This variant is considered benign. This variant is a silent/synonymous amino acid change and it is not expected to impact splicing.

Blueprint Genetics
Classification: Benign. Last evaluated: 2024-11-27. Review status: criteria provided, single submitter. Criteria: ACMG Guidelines, 2015. Collection method: clinical testing. Allele origin: germline.

All of Us Research Program, National Institutes of Health
Classification: Benign for Tuberous sclerosis syndrome. Last evaluated: 2024-10-03. Review status: criteria provided, single submitter. Criteria: ACMG Guidelines, 2015. Collection method: clinical testing. Allele origin: germline. Inheritance: Autosomal dominant inheritance. Observed: 38,669 variant alleles, 35,537 heterozygotes, 3,117 homozygotes, 15 hemizygotes.
Comment: This study involves interpretation of variants in research participants for the purpose of population health screening. Participant phenotype was not available at the time of variant classification. Additional details can be found in publication PMID: 35346344, PMCID: PMC8962531

KCCC/NGS Laboratory, Kuwait Cancer Control Center
Classification: Benign for Tuberous sclerosis 1. Last evaluated: 2023-07-07. Review status: criteria provided, single submitter. Criteria: ACMG Guidelines, 2015. Collection method: clinical testing. Allele origin: germline. Affected: yes.

Mayo Clinic Laboratories, Mayo Clinic
Classification: Benign. Last evaluated: 2022-03-18. Review status: criteria provided, single submitter. Criteria: ACMG Guidelines, 2015. Collection method: clinical testing. Allele origin: germline. Observed: 376 variant alleles.

Genome-Nilou Lab
Classification: Benign for Tuberous sclerosis 1. Last evaluated: 2021-11-07. Review status: criteria provided, single submitter. Criteria: ACMG Guidelines, 2015. Collection method: clinical testing. Allele origin: germline. Affected: no.

Division of Genomic Medicine, Department of Advanced Medicine, Medical Research Institute, Kanazawa Medical University
Classification: Benign for Tuberous sclerosis 1. Last evaluated: 2020-07-10. Review status: criteria provided, single submitter. Criteria: ACMG Guidelines, 2015. Collection method: clinical testing. Allele origin: germline. Affected: yes. Observed: 1 variant allele.

Color Diagnostics, LLC DBA Color Health
Classification: Benign for Tuberous sclerosis syndrome. Last evaluated: 2019-03-28. Review status: criteria provided, single submitter. Criteria: ACMG Guidelines, 2015. Collection method: clinical testing. Allele origin: germline.

Illumina Laboratory Services, Illumina
Classification: Benign for Isolated focal cortical dysplasia type II. Last evaluated: 2018-01-12. Review status: criteria provided, single submitter. Criteria: ICSL Variant Classification Criteria 13 December 2019. Collection method: clinical testing. Allele origin: germline.
Comment: This variant was observed in the ICSL laboratory as part of a predisposition screen in an ostensibly healthy population. It had not been previously curated by ICSL or reported in the Human Gene Mutation Database (HGMD: prior to June 1st, 2018), and was therefore a candidate for classification through an automated scoring system. Utilizing variant allele frequency, disease prevalence and penetrance estimates, and inheritance mode, an automated score was calculated to assess if this variant is too frequent to cause the disease. Based on the score and internal cut-off values, a variant classified as benign is not then subjected to further curation. The score for this variant resulted in a classification of benign for this disease.

Illumina Laboratory Services, Illumina
Classification: Benign for Tuberous sclerosis 1. Last evaluated: 2018-01-12. Review status: criteria provided, single submitter. Criteria: ICSL Variant Classification Criteria 13 December 2019. Collection method: clinical testing. Allele origin: germline.
Comment: the same text as in the submission from Illumina Laboratory Services, Illumina above.

Athena Diagnostics
Classification: Benign for Tuberous sclerosis 1. Last evaluated: 2017-04-14. Review status: criteria provided, single submitter. Criteria: Athena Diagnostics Criteria. Collection method: clinical testing. Allele origin: germline.

Women's Health and Genetics/Laboratory Corporation of America, LabCorp
Classification: Benign. Last evaluated: 2016-05-26. Review status: criteria provided, single submitter. Criteria: LabCorp Variant Classification Summary - May 2015. Collection method: clinical testing. Allele origin: germline.
Comment: Variant summary: The TSC1 c.1335A>G (p.Glu445Glu) variant involves the alteration of a non-conserved nucleotide, resulting in a synonymous change 2 nucleotides from the exon14-intron13 boundary. One in silico tool predicts a polymorphism outcome for this variant. 5/5 Alamut algorithms predict no significant change to the cononical splice acceptor site, while 2/5 predict a strengthening of a cryptic splice acceptor site. This variant was found in 16480/120190 control chromosomes (1225 homozygotes) at a frequency of 0.1371162, which is approximately 5485 times the estimated maximal expected allele frequency of a pathogenic TSC1 variant (0.000025), suggesting this variant is likely a benign polymorphism. In addition, multiple clinical diagnostic laboratories classified this variant as benign, and it has been reported in the literature as a normal population variant (PMID: 18538015). Taken together and based on the high allele frequency in the general population, this variant is classified as Benign.

Ambry Genetics
Classification: Benign for Hereditary cancer-predisposing syndrome. Last evaluated: 2014-11-19. Review status: criteria provided, single submitter. Criteria: Ambry Variant Classification Scheme 2023. Collection method: clinical testing. Allele origin: germline.

Eurofins Ntd Llc (ga)
Classification: Benign. Last evaluated: 2014-07-31. Review status: criteria provided, single submitter. Criteria: EGL Classification Definitions 2015. Collection method: clinical testing. Allele origin: germline. Observed: 1 variant allele, 1 heterozygote.

GeneDx
Classification: Benign. Last evaluated: 2013-10-07. Review status: criteria provided, single submitter. Criteria: GeneDx Variant Classification (06012015). Collection method: clinical testing. Allele origin: germline. Affected: yes.
Comment: This variant is considered likely benign or benign based on one or more of the following criteria: it is a conservative change, it occurs at a poorly conserved position in the protein, it is predicted to be benign by multiple in silico algorithms, and/or has population frequency not consistent with disease.

Laboratory for Molecular Medicine, Mass General Brigham Personalized Medicine
Classification: Benign. Last evaluated: 2013-02-21. Review status: criteria provided, single submitter. Criteria: LMM Criteria. Collection method: clinical testing. Allele origin: germline. Observed: 20 variant alleles.
Comment: Glu445Glu in exon 14 of TSC1: This variant is not expected to have clinical sign ificance because it does not alter an amino acid residue and is not located with in the splice consensus sequence. It has been identified in 21.9% (965/4406) of African American chromosomes from a broad population by the NHLBI Exome Sequenci ng Project (dbSNP rs7862221).

Breakthrough Genomics
Classification: Benign. Review status: criteria provided, single submitter. Criteria: ACMG Guidelines, 2015. Collection method: not provided. Allele origin: germline. Inheritance: Autosomal dominant inheritance. Affected: yes.

PreventionGenetics, part of Exact Sciences
Classification: Benign. Review status: criteria provided, single submitter. Criteria: ACMG Guidelines, 2015. Collection method: clinical testing. Allele origin: germline.

Clinical Genetics DNA and cytogenetics Diagnostics Lab, Erasmus MC, Erasmus Medical Center
Classification: Benign. Review status: no assertion criteria provided. Collection method: clinical testing. Allele origin: germline. Affected: yes. Study: VKGL Data-share Consensus. Not counted in ClinVar's aggregate classification.

Clinical Genetics, Academic Medical Center
Classification: Benign. Review status: no assertion criteria provided. Collection method: clinical testing. Allele origin: germline. Affected: yes. Study: VKGL Data-share Consensus. Not counted in ClinVar's aggregate classification.

NM_000368.5(TSC1):c.1335A>G (p.Glu445=)

Gene: TSC1 (TSC complex subunit 1; minus strand). Cytogenetic location: 9q34.13.
Variant type: single nucleotide variant.
Coding change: c.1335A>G on transcript NM_000368.5 (MANE Select); coding-DNA position 1335, A replaced by G.
Protein change: p.Glu445=; no amino-acid change (glutamic acid 445 retained).
Molecular consequence: synonymous variant.
Genome position (GRCh38, 1-based): chr9:132,906,834, T>C on the plus strand (A>G on the coding strand, the complement: TSC1 is on the minus strand). VCF-style: chr9-132906834-T-C. GRCh37 (hg19) VCF-style: chr9-135782221-T-C.
Other names: p.E445E:GAA>GAG; p.Glu445=; c.1332A>G, p.Glu444= (NM_001162426.2); c.1182A>G, p.Glu394= (NM_001162427.2); c.972A>G, p.Glu324= (NM_001362177.2).
Identifiers: ClinVar variation 48768 (VCV000048768.54), dbSNP rs7862221, ClinGen allele CA004674.
Genomic context (GRCh38, chr9:132,906,834, plus strand): 5'-ATCACCTAAAAACCCTGGAAGATCACTTAGAGTGACAGAACCTTTGCTGCCAGGTGGCTC[T>C]TCTGAAGAGAAACAAAGACAACTGAAGTCAAAGAAATACAGTGTAATCCCTGTAAGTGTA-3'
Protein context (NP_000359.1, residues 435-455): QHHLLNDRGS[Glu445=]EPPGSKGSVT